The following is an entry in ClinVar:

NM_001365276.2(TNXB):c.9668G>T (p.Gly3223Val)

Gene: TNXB (tenascin XB; minus strand). Cytogenetic location: 6p21.33.
Variant type: single nucleotide variant.
Coding change: c.9668G>T on transcript NM_001365276.2 (MANE Select); coding-DNA position 9668, G replaced by T.
Protein change: p.Gly3223Val; replaces glycine 3223 with valine.
Molecular consequence: missense variant.
Genome position (GRCh38, 1-based): chr6:32,049,359, C>A on the plus strand (G>T on the coding strand, the complement: TNXB is on the minus strand). VCF-style: chr6-32049359-C-A. GRCh37 (hg19) VCF-style: chr6-32017136-C-A.
Other names: c.10409G>T, p.Gly3470Val (NM_001428335.1); c.9662G>T, p.Gly3221Val (NM_019105.8); short protein forms G3470V, G3221V, G3223V.
Identifiers: ClinVar variation 3459770 (VCV003459770.1).
Genomic context (GRCh38, chr6:32,049,359, plus strand): 5'-ACGCGCTGCCCCTCGTGGAGGCCGTACAGATGCATCTTGTATTTGCGCCCGGGCTCCAGG[C>A]CCCCCACGGTGACCTCGCTCTCCTCGCCCCTGACACGCACCACCTGGGGCTGCCCGTCCC-3'
Protein context (NP_001352205.1, residues 3213-3233): RGEESEVTVG[Gly3223Val]LEPGRKYKMH

ClinVar aggregate classification (germline): Uncertain significance (1 of 4 stars; one submission).

Conditions:
Cardiovascular phenotype. Identifiers: MedGen CN230736.

gnomAD v4.1: 2 of 1,612,392 alleles (0.00012%); highest among the groups gnomAD compares: Non-Finnish European, 0.00017%; no homozygotes.

Submission:

Ambry Genetics
Classification: Uncertain significance for Cardiovascular phenotype. Last evaluated: 2024-08-12. Review status: criteria provided, single submitter. Criteria: Ambry Variant Classification Scheme 2023. Collection method: clinical testing. Allele origin: germline.
Comment: The p.G3221V variant (also known as c.9662G>T), located in coding exon 27 of the TNXB gene, results from a G to T substitution at nucleotide position 9662. The glycine at codon 3221 is replaced by valine, an amino acid with dissimilar properties. This amino acid position is conserved. In addition, this alteration is predicted to be tolerated by in silico analysis. Based on the available evidence, the clinical significance of this variant remains unclear.